The following is an entry in ClinVar:

ClinVar aggregate classification (germline): Uncertain significance (1 of 4 stars; one submission).

Allele frequency attached by ClinVar (database versions not stated): 1000 Genomes Project 30x 0.00031; 1000 Genomes Project 0.00040.
gnomAD v4.1: 26 of 1,613,858 alleles (0.0016%); highest among the groups gnomAD compares: East Asian, 0.0089%; no homozygotes.

Submission:

Labcorp Genetics (formerly Invitae), Labcorp
Classification: Uncertain significance. Last evaluated: 2022-03-26. Review status: criteria provided, single submitter. Criteria: Invitae Variant Classification Sherloc (09022015). Collection method: clinical testing. Allele origin: germline.
Comment: This sequence change replaces arginine, which is basic and polar, with cysteine, which is neutral and slightly polar, at codon 1021 of the OBSL1 protein (p.Arg1021Cys). This variant is present in population databases (rs555893343, gnomAD 0.006%). This variant has not been reported in the literature in individuals affected with OBSL1-related conditions. Algorithms developed to predict the effect of missense changes on protein structure and function output the following: SIFT: "Tolerated"; PolyPhen-2: "Benign"; Align-GVGD: "Class C0". The cysteine amino acid residue is found in multiple mammalian species, which suggests that this missense change does not adversely affect protein function. In summary, the available evidence is currently insufficient to determine the role of this variant in disease. Therefore, it has been classified as a Variant of Uncertain Significance.

NM_015311.3(OBSL1):c.3061C>T (p.Arg1021Cys)

Gene: OBSL1 (obscurin like cytoskeletal adaptor 1; minus strand). Cytogenetic location: 2q35.
Variant type: single nucleotide variant.
Coding change: c.3061C>T on transcript NM_015311.3 (MANE Select); coding-DNA position 3061, C replaced by T.
Protein change: p.Arg1021Cys; replaces arginine 1021 with cysteine.
Molecular consequence: missense variant.
Genome position (GRCh38, 1-based): chr2:219,559,390, G>A on the plus strand (C>T on the coding strand, the complement: OBSL1 is on the minus strand). VCF-style: chr2-219559390-G-A. GRCh37 (hg19) VCF-style: chr2-220424112-G-A.
Other names: c.3061C>T, p.Arg1021Cys (NM_001173431.2); short protein forms R1021C.
Identifiers: ClinVar variation 1420189 (VCV001420189.9), dbSNP rs555893343, ClinGen allele CA2130977.